The following is an entry in ClinVar:

NM_000222.3(KIT):c.1058G>A (p.Arg353Lys)

Gene: KIT (KIT proto-oncogene, receptor tyrosine kinase; plus strand). Cytogenetic location: 4q12.
Variant type: single nucleotide variant.
Coding change: c.1058G>A on transcript NM_000222.3 (MANE Select); coding-DNA position 1058, G replaced by A.
Protein change: p.Arg353Lys; replaces arginine 353 with lysine.
Molecular consequence: missense variant.
Genome position (GRCh38, 1-based): chr4:54,707,230, G>A. VCF-style: chr4-54707230-G-A. GRCh37 (hg19) VCF-style: chr4-55573396-G-A.
Other names: c.1058G>A, p.Arg353Lys (NM_001093772.2, NM_001385285.1, NM_001385286.1); c.1061G>A, p.Arg354Lys (NM_001385284.1, NM_001385288.1, NM_001385290.1 and 1 more transcripts); short protein forms R353K, R354K.
Identifiers: ClinVar variation 1361407 (VCV001361407.8), dbSNP rs2109705610, ClinGen allele CA356901067.

ClinVar aggregate classification (germline): Uncertain significance (1 of 4 stars; one submission).

Conditions:
Gastrointestinal stromal tumor. Also called: Gastrointestinal stroma tumor; Gastrointestinal stromal tumor, somatic. Identifiers: Orphanet 44890, MedGen C0238198, MeSH D046152, MONDO:0011719, OMIM 606764, HP:0100723.

Submission:

Labcorp Genetics (formerly Invitae), Labcorp
Classification: Uncertain significance for Gastrointestinal stromal tumor. Last evaluated: 2021-06-15. Review status: criteria provided, single submitter. Criteria: Invitae Variant Classification Sherloc (09022015). Collection method: clinical testing. Allele origin: germline.
Comment: This sequence change replaces arginine with lysine at codon 353 of the KIT protein (p.Arg353Lys). The arginine residue is moderately conserved and there is a small physicochemical difference between arginine and lysine. This variant is not present in population databases (ExAC no frequency). This variant has not been reported in the literature in individuals with KIT-related conditions. Algorithms developed to predict the effect of missense changes on protein structure and function output the following: SIFT: "Tolerated"; PolyPhen-2: "Benign"; Align-GVGD: "Class C0". The lysine amino acid residue is found in multiple mammalian species, suggesting that this missense change does not adversely affect protein function. These predictions have not been confirmed by published functional studies and their clinical significance is uncertain. In summary, the available evidence is currently insufficient to determine the role of this variant in disease. Therefore, it has been classified as a Variant of Uncertain Significance.